The following is an entry in ClinVar:

NM_024675.4(PALB2):c.1207C>T (p.Leu403=)

Gene: PALB2 (partner and localizer of BRCA2; minus strand). Cytogenetic location: 16p12.2.
Variant type: single nucleotide variant.
Coding change: c.1207C>T on transcript NM_024675.4 (MANE Select); coding-DNA position 1207, C replaced by T.
Protein change: p.Leu403=; no amino-acid change (leucine 403 retained).
Molecular consequence: synonymous variant. On other transcripts: intron variant (3).
Genome position (GRCh38, 1-based): chr16:23,635,339, G>A on the plus strand (C>T on the coding strand, the complement: PALB2 is on the minus strand). VCF-style: chr16-23635339-G-A. GRCh37 (hg19) VCF-style: chr16-23646660-G-A.
Other names: c.1147C>T, p.Leu383= (NM_001407296.1); c.1207C>T, p.Leu403= (NM_001407297.1, NM_001407298.1, NM_001407299.1 and 3 more transcripts); c.322C>T, p.Leu108= (NM_001407304.1, NM_001407305.1, NM_001407306.1 and 5 more transcripts); c.48+5771C>T (NM_001407314.1); c.-104-4870C>T (NM_001407313.1, NM_001407312.1).
Identifiers: ClinVar variation 1749095 (VCV001749095.3), dbSNP rs2142422741, ClinGen allele CA494461777.

ClinVar aggregate classification (germline): Benign/Likely benign. Review status: criteria provided, multiple submitters, no conflicts (2 of 4 stars). 2 submissions from 2 submitters: Benign (1); Likely benign (1). Last evaluated 2025-01-13.

Conditions:
Hereditary cancer-predisposing syndrome. Also called: Hereditary Cancer Syndrome; Hereditary neoplastic syndrome; Neoplastic Syndromes, Hereditary; Tumor predisposition. Identifiers: Orphanet 140162, MedGen C0027672, MeSH D009386, MONDO:0015356.
Familial cancer of breast. Also called: BREAST CANCER, FAMILIAL; hereditary breast carcinoma; Hereditary breast cancer. Identifiers: Orphanet 227535, MedGen C0346153, MONDO:0016419, OMIM 114480. Disease mechanism: loss of function.

Submissions (2):

Myriad Genetics, Inc.
Classification: Benign for Familial cancer of breast. Last evaluated: 2025-01-13. Review status: criteria provided, single submitter. Criteria: Myriad Autosomal Dominant, Autosomal Recessive and X-Linked Classification Criteria (2023). Collection method: clinical testing. Allele origin: unknown.
Comment: This variant is considered benign. This variant is a silent/synonymous amino acid change and it is not expected to impact splicing.

Ambry Genetics
Classification: Likely benign for Hereditary cancer-predisposing syndrome. Last evaluated: 2017-10-20. Review status: criteria provided, single submitter. Criteria: Ambry Variant Classification Scheme 2023. Collection method: clinical testing. Allele origin: germline.